The following is an entry in ClinVar:

NM_005235.3(ERBB4):c.2533G>A (p.Ala845Thr)

Gene: ERBB4 (erb-b2 receptor tyrosine kinase 4; minus strand). Cytogenetic location: 2q34.
Variant type: single nucleotide variant.
Coding change: c.2533G>A on transcript NM_005235.3 (MANE Select); coding-DNA position 2533, G replaced by A.
Protein change: p.Ala845Thr; replaces alanine 845 with threonine.
Molecular consequence: missense variant.
Genome position (GRCh38, 1-based): chr2:211,431,055, C>T on the plus strand (G>A on the coding strand, the complement: ERBB4 is on the minus strand). VCF-style: chr2-211431055-C-T. GRCh37 (hg19) VCF-style: chr2-212295780-C-T.
Other names: c.2533G>A, p.Ala845Thr (NM_001042599.2); short protein forms A845T.
Identifiers: ClinVar variation 1940945 (VCV001940945.5), dbSNP rs2125430191, ClinGen allele CA350779292.
Genomic context (GRCh38, chr2:211,431,055, plus strand): 5'-CTAGCCCAAAATCTGTGATTTTCACATGGTTTGGAGATTTCACTAAGACATTACGGGCTG[C>T]CAAATCCCGATGAACGAGTCGTCTTTCTTCCAGGTACATCATTCCCTGAAAAATATCAAG-3'
Protein context (NP_005226.1, residues 835-855): EERRLVHRDL[Ala845Thr]ARNVLVKSPN

ClinVar aggregate classification (germline): Uncertain significance (1 of 4 stars; one submission).

Submission:

Labcorp Genetics (formerly Invitae), Labcorp
Classification: Uncertain significance. Last evaluated: 2022-04-03. Review status: criteria provided, single submitter. Criteria: Invitae Variant Classification Sherloc (09022015). Collection method: clinical testing. Allele origin: germline.
Comment: Algorithms developed to predict the effect of missense changes on protein structure and function are either unavailable or do not agree on the potential impact of this missense change (SIFT: "Deleterious"; PolyPhen-2: "Probably Damaging"; Align-GVGD: "Class C0"). This variant has not been reported in the literature in individuals affected with ERBB4-related conditions. This variant is not present in population databases (gnomAD no frequency). This sequence change replaces alanine, which is neutral and non-polar, with threonine, which is neutral and polar, at codon 845 of the ERBB4 protein (p.Ala845Thr). In summary, the available evidence is currently insufficient to determine the role of this variant in disease. Therefore, it has been classified as a Variant of Uncertain Significance.